The following is an entry in ClinVar:

ClinVar aggregate classification (germline): Conflicting classifications of pathogenicity. Review status: criteria provided, conflicting classifications (1 of 4 stars). 2 submissions from 2 submitters: Uncertain significance (1); Likely benign (1). Last evaluated 2025-05-07.

Conditions:
Familial thoracic aortic aneurysm and aortic dissection (TAAD). Also called: Thoracic aortic aneurysms and dissections. Identifiers: Orphanet 91387, MedGen C4707243, MONDO:0019625.
Ehlers-Danlos syndrome, classic type, 1 (EDSCL1). Also called: Ehlers-Danlos Syndrome, Classic Type, COL5A1-Related; EHLERS-DANLOS SYNDROME, GRAVIS TYPE; EHLERS-DANLOS SYNDROME, SEVERE CLASSIC TYPE; Ehlers-Danlos syndrome, type 1; EDS I. Identifiers: MedGen C0268335, MONDO:0019567, OMIM 130000.

Allele frequency attached by ClinVar (database versions not stated): gnomAD exomes below 0.00001; TOPMed 0.00001; gnomAD 0.00001.
gnomAD v4.1: 6 of 1,614,016 alleles (0.00037%); highest among the groups gnomAD compares: Non-Finnish European, 0.00042%; no homozygotes.

Submissions (2):

Ambry Genetics
Classification: Likely benign for Familial thoracic aortic aneurysm and aortic dissection. Last evaluated: 2025-05-07. Review status: criteria provided, single submitter. Criteria: Ambry Variant Classification Scheme 2023. Collection method: clinical testing. Allele origin: germline.

Labcorp Genetics (formerly Invitae), Labcorp
Classification: Uncertain significance for Ehlers-Danlos syndrome, classic type, 1. Last evaluated: 2025-02-15. Review status: criteria provided, single submitter. Criteria: Invitae Variant Classification Sherloc (09022015). Collection method: clinical testing. Allele origin: germline.
Comment: This sequence change replaces valine, which is neutral and non-polar, with methionine, which is neutral and non-polar, at codon 79 of the COL5A2 protein (p.Val79Met). This variant is not present in population databases (gnomAD no frequency). This variant has not been reported in the literature in individuals affected with COL5A2-related conditions. ClinVar contains an entry for this variant (Variation ID: 2191586). Invitae Evidence Modeling of protein sequence and biophysical properties (such as structural, functional, and spatial information, amino acid conservation, physicochemical variation, residue mobility, and thermodynamic stability) indicates that this missense variant is not expected to disrupt COL5A2 protein function with a negative predictive value of 95%. In summary, the available evidence is currently insufficient to determine the role of this variant in disease. Therefore, it has been classified as a Variant of Uncertain Significance.

NM_000393.5(COL5A2):c.235G>A (p.Val79Met)

Gene: COL5A2 (collagen type V alpha 2 chain; minus strand). Cytogenetic location: 2q32.2.
Variant type: single nucleotide variant.
Coding change: c.235G>A on transcript NM_000393.5 (MANE Select); coding-DNA position 235, G replaced by A.
Protein change: p.Val79Met; replaces valine 79 with methionine.
Molecular consequence: missense variant.
Genome position (GRCh38, 1-based): chr2:189,110,312, C>T on the plus strand (G>A on the coding strand, the complement: COL5A2 is on the minus strand). VCF-style: chr2-189110312-C-T. GRCh37 (hg19) VCF-style: chr2-189975038-C-T.
Other names: c.235G>A (NM_000393.3); short protein forms V79M.
Identifiers: ClinVar variation 2191586 (VCV002191586.4), dbSNP rs1181992113, ClinGen allele CA349867871.
Genomic context (GRCh38, chr2:189,110,312, plus strand): 5'-TTTGTGAACAGACAGGACAGCATTCCCCAGGGGGCGTTACAGGGTCGGCACAGTCCAGCA[C>T]ATCCTGGCATTCTATCTTGTCACAGAGAATGGCTCCATTGTCACAGACACAGATCTGACA-3'
Protein context (NP_000384.2, residues 69-89): ILCDKIECQD[Val79Met]LDCADPVTPP